The following is an entry in ClinVar:

ClinVar aggregate classification (germline): Pathogenic (1 of 4 stars; one submission).

Conditions:
Familial thoracic aortic aneurysm and aortic dissection (TAAD). Also called: Thoracic aortic aneurysms and dissections. Identifiers: Orphanet 91387, MedGen C4707243, MONDO:0019625.
Marfan syndrome (MFS). Also called: Marfan syndrome type 1; Marfan's syndrome; Marfan syndrome, classic; MARFAN SYNDROME, TYPE I; FBN1-Related Marfan Syndrome. Identifiers: Orphanet 284963, Orphanet 558, MedGen C0024796, MONDO:0007947, OMIM 154700.

Submission:

Labcorp Genetics (formerly Invitae), Labcorp
Classification: Pathogenic for Marfan syndrome; Familial thoracic aortic aneurysm and aortic dissection. Last evaluated: 2020-10-09. Review status: criteria provided, single submitter. Criteria: Invitae Variant Classification Sherloc (09022015). Collection method: clinical testing. Allele origin: germline.
Comment: For these reasons, this variant has been classified as Pathogenic. This variant affects cysteine residues in the EGF-like, TGFBP or hybrid motif domains of FBN1. Cysteine residues are believed to be involved in intramolecular disulfide bridges and have been shown to be important for FBN1 protein structure (PMID: 16905551, 19349279). In addition, missense substitutions affecting cysteine residues within these domains are significantly overrepresented among patients with Marfan syndrome (PMID: 16571647, 17701892). This variant has been observed in individual(s) with clinical features of thoracic aortic aneurysm and/or dissection (Invitae). This variant is an in-frame deletion of the genomic region encompassing exon(s) 7-17 of the FBN1 gene. It preserves the integrity of the reading frame.

Literature cited by the submitters: PubMed 16905551; PubMed 19349279; PubMed 16571647; PubMed 17701892.

NC_000015.9:g.(?_48795974)_(48830015_?)del

Gene: FBN1 (fibrillin 1; minus strand). Cytogenetic location: 15q21.1.
Variant type: Deletion.
Identifiers: ClinVar variation 1075898 (VCV001075898.7).